The following is an entry in ClinVar:

ClinVar aggregate classification (germline): Uncertain significance (1 of 4 stars; one submission).

Allele frequency attached by ClinVar (database versions not stated): gnomAD exomes below 0.00001.
gnomAD v4.1: 1 of 1,600,918 alleles (0.000062%); highest among the groups gnomAD compares: East Asian, 0.0023%; no homozygotes.

Submission:

Ambry Genetics
Classification: Uncertain significance. Last evaluated: 2024-05-20. Review status: criteria provided, single submitter. Criteria: Ambry Variant Classification Scheme 2023. Collection method: clinical testing. Allele origin: germline.
Comment: The p.N1174D variant (also known as c.3520A>G), located in coding exon 4 of the MLH3 gene, results from an A to G substitution at nucleotide position 3520. The asparagine at codon 1174 is replaced by aspartic acid, an amino acid with highly similar properties. This amino acid position is conserved. In addition, the in silico prediction for this alteration is inconclusive. Since supporting evidence is limited at this time, the clinical significance of this alteration remains unclear.

NM_001040108.2(MLH3):c.3520A>G (p.Asn1174Asp)

Gene: MLH3 (mutL homolog 3; minus strand). Cytogenetic location: 14q24.3.
Variant type: single nucleotide variant.
Coding change: c.3520A>G on transcript NM_001040108.2 (MANE Select); coding-DNA position 3520, A replaced by G.
Protein change: p.Asn1174Asp; replaces asparagine 1174 with aspartic acid.
Molecular consequence: missense variant.
Genome position (GRCh38, 1-based): chr14:75,039,961, T>C on the plus strand (A>G on the coding strand, the complement: MLH3 is on the minus strand). VCF-style: chr14-75039961-T-C. GRCh37 (hg19) VCF-style: chr14-75506664-T-C.
Other names: c.3520A>G, p.Asn1174Asp (NM_014381.3); short protein forms N1174D.
Identifiers: ClinVar variation 1732269 (VCV001732269.3), dbSNP rs2503195678, ClinGen allele CA390428712.